The following is an entry in ClinVar:

NM_000218.3(KCNQ1):c.605A>T (p.Asp202Val)

Gene: KCNQ1 (potassium voltage-gated channel subfamily Q member 1; plus strand). Cytogenetic location: 11p15.5.
Variant type: single nucleotide variant.
Coding change: c.605A>T on transcript NM_000218.3 (MANE Select); coding-DNA position 605, A replaced by T.
Protein change: p.Asp202Val; replaces aspartic acid 202 with valine.
Molecular consequence: missense variant.
Genome position (GRCh38, 1-based): chr11:2,571,325, A>T. VCF-style: chr11-2571325-A-T. GRCh37 (hg19) VCF-style: chr11-2592555-A-T.
Other names: c.605A>T, p.Asp202Val (NM_001406836.1); c.335A>T, p.Asp112Val (NM_001406837.1); c.224A>T, p.Asp75Val (NM_181798.2); short protein forms D202V, D75V, D112V.
Identifiers: ClinVar variation 1499373 (VCV001499373.9), dbSNP rs794728569, ClinGen allele CA379130373.

ClinVar aggregate classification (germline): Uncertain significance (1 of 4 stars; one submission).

Conditions:
Long QT syndrome (LQTS). Identifiers: MedGen C0023976, MeSH D008133, MONDO:0002442. Disease mechanism: loss of function. Inheritance: Various modes of inheritance.

Submission:

Labcorp Genetics (formerly Invitae), Labcorp
Classification: Uncertain significance for Long QT syndrome. Last evaluated: 2021-06-16. Review status: criteria provided, single submitter. Criteria: Invitae Variant Classification Sherloc (09022015). Collection method: clinical testing. Allele origin: germline.
Comment: In summary, the available evidence is currently insufficient to determine the role of this variant in disease. Therefore, it has been classified as a Variant of Uncertain Significance. Algorithms developed to predict the effect of missense changes on protein structure and function (SIFT, PolyPhen-2, Align-GVGD) all suggest that this variant is likely to be disruptive, but these predictions have not been confirmed by published functional studies and their clinical significance is uncertain. This variant has not been reported in the literature in individuals with KCNQ1-related conditions. This variant is not present in population databases (ExAC no frequency). This sequence change replaces aspartic acid with valine at codon 202 of the KCNQ1 protein (p.Asp202Val). The aspartic acid residue is highly conserved and there is a large physicochemical difference between aspartic acid and valine.